The following is an entry in ClinVar:

NM_001003694.2(BRPF1):c.1755_1758del (p.Lys585fs)

Gene: BRPF1 (bromodomain and PHD finger containing 1; plus strand). Cytogenetic location: 3p25.3.
Variant type: Deletion.
Coding change: c.1755_1758del on transcript NM_001003694.2 (MANE Select); coding-DNA positions 1755 to 1758, 4 bases deleted (AGAA; older notation c.1755_1758delAGAA).
Protein change: p.Lys585fs; shifts the reading frame from lysine 585.
Molecular consequence: frameshift variant. On other transcripts: non-coding transcript variant (1).
Genome position (GRCh38, 1-based): chr3:9,741,340-9,741,343, AGAA deleted; deleting any 4 consecutive bases within chr3:9,741,338-9,741,343 gives the same sequence; the c. name uses the placement nearest the transcript's 3' end. VCF-style (leftmost placement, unchanged base first): chr3-9741337-TAAAG-T. GRCh37 (hg19) VCF-style: chr3-9783021-TAAAG-T.
Other names: c.1755_1758del, p.Lys585fs (NM_001319049.2, NM_001319050.2, NM_004634.3); short protein forms K585fs.
Identifiers: ClinVar variation 1695061 (VCV001695061.31), dbSNP rs2125504232, ClinGen allele CA2580070617.

ClinVar aggregate classification (germline): Pathogenic (1 of 4 stars; one submission).

Submission:

CeGaT Center for Human Genetics Tuebingen
Classification: Pathogenic. Last evaluated: 2022-05-01. Review status: criteria provided, single submitter. Criteria: CeGaT Center For Human Genetics Tuebingen Variant Classification Criteria Version 2. Collection method: clinical testing. Allele origin: germline. Affected: yes. Observed: 1 variant allele.
Comment: BRPF1: PVS1, PM2